The following is an entry in ClinVar:

NM_001134831.2(AHI1):c.*218C>T

Gene: AHI1 (Abelson helper integration site 1; minus strand). Cytogenetic location: 6q23.3.
Variant type: single nucleotide variant.
Coding change: c.*218C>T on transcript NM_001134831.2 (MANE Select); 218 bases downstream of the stop codon, C replaced by T.
Molecular consequence: 3 prime UTR variant.
Genome position (GRCh38, 1-based): chr6:135,285,427, G>A on the plus strand (C>T on the coding strand, the complement: AHI1 is on the minus strand). VCF-style: chr6-135285427-G-A. GRCh37 (hg19) VCF-style: chr6-135606565-G-A.
Other names: c.*218C>T (NM_001134830.2, NM_001350503.2, NM_017651.5); c.*199C>T (NM_001350504.2).
Identifiers: ClinVar variation 355491 (VCV000355491.6), dbSNP rs1052502, ClinGen allele CA10625866.

ClinVar aggregate classification (germline): Benign. Review status: criteria provided, multiple submitters, no conflicts (2 of 4 stars). 2 submissions from 2 submitters: Benign (2). Last evaluated 2018-06-26.

Conditions:
Joubert syndrome 3 (JBTS3). Also called: AHI1-related Ciliopathy. Identifiers: Orphanet 220493, MedGen C1837713, MONDO:0012078, OMIM 608629.

Allele frequency attached by ClinVar (database versions not stated): gnomAD exomes 0.09285; gnomAD 0.26172 and 0.27386; TOPMed 0.29092; 1000 Genomes Project 0.30691; 1000 Genomes Project 30x 0.32105.
gnomAD v4.1: 81,488 of 595,260 alleles (14%); highest among the groups gnomAD compares: African/African-American, 72%; 16,330 homozygotes.

Submissions (2):

GeneDx
Classification: Benign. Last evaluated: 2018-06-26. Review status: criteria provided, single submitter. Criteria: GeneDx Variant Classification Process June 2021. Collection method: clinical testing. Allele origin: germline. Affected: yes.

Illumina Laboratory Services, Illumina
Classification: Benign for Joubert syndrome 3. Last evaluated: 2018-01-12. Review status: criteria provided, single submitter. Criteria: ICSL Variant Classification Criteria 13 December 2019. Collection method: clinical testing. Allele origin: germline.
Comment: This variant was observed in the ICSL laboratory as part of a predisposition screen in an ostensibly healthy population. It had not been previously curated by ICSL or reported in the Human Gene Mutation Database (HGMD: prior to June 1st, 2018), and was therefore a candidate for classification through an automated scoring system. Utilizing variant allele frequency, disease prevalence and penetrance estimates, and inheritance mode, an automated score was calculated to assess if this variant is too frequent to cause the disease. Based on the score and internal cut-off values, a variant classified as benign is not then subjected to further curation. The score for this variant resulted in a classification of benign for this disease.